The following is an entry in ClinVar:

NM_153603.4(COG7):c.1703G>C (p.Arg568Pro)

Gene: COG7 (component of oligomeric golgi complex 7; minus strand). Cytogenetic location: 16p12.2.
Variant type: single nucleotide variant.
Coding change: c.1703G>C on transcript NM_153603.4 (MANE Select); coding-DNA position 1703, G replaced by C.
Protein change: p.Arg568Pro; replaces arginine 568 with proline.
Molecular consequence: missense variant.
Genome position (GRCh38, 1-based): chr16:23,403,794, C>G on the plus strand (G>C on the coding strand, the complement: COG7 is on the minus strand). VCF-style: chr16-23403794-C-G. GRCh37 (hg19) VCF-style: chr16-23415115-C-G.
Other names: short protein forms R568P.
Identifiers: ClinVar variation 3681293 (VCV003681293.2).
Genomic context (GRCh38, chr16:23,403,794, plus strand): 5'-AGGAACACGGAATCGAAAGCCAGCTGGTGGGCCTGCTGGTTAAGCCGAGTCAGCGCTGCT[C>G]GAGGTGCAGCCAGCAGGTTGTGGTTGCTTGACCCTTTTTCCTAAGACAAGAAAATGCAAA-3'
Protein context (NP_705831.1, residues 558-578): SSNHNLLAAP[Arg568Pro]AALTRLNQQA

ClinVar aggregate classification (germline): Uncertain significance (1 of 4 stars; one submission).

Conditions:
COG7 congenital disorder of glycosylation (CDG2E). Also called: CONGENITAL DISORDER OF GLYCOSYLATION, TYPE IIe; CDG IIe. Identifiers: Orphanet 79333, MedGen C2931010, MONDO:0012118, OMIM 608779.

Submission:

Labcorp Genetics (formerly Invitae), Labcorp
Classification: Uncertain significance for COG7 congenital disorder of glycosylation. Last evaluated: 2024-03-16. Review status: criteria provided, single submitter. Criteria: Invitae Variant Classification Sherloc (09022015). Collection method: clinical testing. Allele origin: germline.
Comment: This sequence change replaces arginine, which is basic and polar, with proline, which is neutral and non-polar, at codon 568 of the COG7 protein (p.Arg568Pro). This variant is not present in population databases (gnomAD no frequency). This variant has not been reported in the literature in individuals affected with COG7-related conditions. Advanced modeling of protein sequence and biophysical properties (such as structural, functional, and spatial information, amino acid conservation, physicochemical variation, residue mobility, and thermodynamic stability) performed at Invitae indicates that this missense variant is expected to disrupt COG7 protein function with a positive predictive value of 80%. In summary, the available evidence is currently insufficient to determine the role of this variant in disease. Therefore, it has been classified as a Variant of Uncertain Significance.